The following is an entry in ClinVar:

ClinVar aggregate classification (germline): Likely benign (1 of 4 stars; one submission).

Conditions:
MYO5B-related disorder. Also called: MYO5B-related condition.

gnomAD v4.1: 4 of 1,613,616 alleles (0.00025%); highest among the groups gnomAD compares: Admixed American, 0.005%; no homozygotes.

Submission:

PreventionGenetics, part of Exact Sciences
Classification: Likely benign for MYO5B-related condition. Last evaluated: 2026-07-20. Review status: criteria provided, single submitter. Criteria: ACMG Guidelines, 2015. Collection method: clinical testing. Allele origin: germline.
Comment: This variant is classified as likely benign based on ACMG/AMP sequence variant interpretation guidelines (Richards et al. 2015 PMID: 25741868, with internal and published modifications).

NM_001080467.3(MYO5B):c.5139-6G>A

Genes: MYO5B (myosin VB; minus strand), SNHG22 (small nucleolar RNA host gene 22; plus strand). Cytogenetic location: 18q21.1.
Variant type: single nucleotide variant.
Coding change: c.5139-6G>A on transcript NM_001080467.3 (MANE Select); 6 bases into the intron before coding-DNA position 5139, G replaced by A.
Molecular consequence: intron variant.
Genome position (GRCh38, 1-based): chr18:49,836,891, C>T on the plus strand (G>A on the coding strand, the complement: MYO5B is on the minus strand). VCF-style: chr18-49836891-C-T. GRCh37 (hg19) VCF-style: chr18-47363261-C-T.
Identifiers: ClinVar variation 4987478 (VCV004987478.1).